The following is an entry in ClinVar:

NM_001165963.4(SCN1A):c.3554G>A (p.Cys1185Tyr)

Genes: SCN1A (sodium voltage-gated channel alpha subunit 1; minus strand), LOC102724058 (uncharacterized LOC102724058; plus strand). Cytogenetic location: 2q24.3.
Variant type: single nucleotide variant.
Coding change: c.3554G>A on transcript NM_001165963.4 (MANE Select); coding-DNA position 3554, G replaced by A.
Protein change: p.Cys1185Tyr; replaces cysteine 1185 with tyrosine.
Molecular consequence: missense variant. On other transcripts: non-coding transcript variant (1).
Genome position (GRCh38, 1-based): chr2:166,013,895, C>T on the plus strand (G>A on the coding strand, the complement: SCN1A is on the minus strand). VCF-style: chr2-166013895-C-T. GRCh37 (hg19) VCF-style: chr2-166870405-C-T.
Other names: c.3518G>A, p.Cys1173Tyr (NM_001353955.2, NM_001353954.2); c.3470G>A, p.Cys1157Tyr (NM_001353957.2, NM_001353958.2, NM_001165964.3); c.3467G>A, p.Cys1156Tyr (NM_001353960.2); c.1112G>A, p.Cys371Tyr (NM_001353961.2); c.3521G>A, p.Cys1174Tyr (NM_006920.6, NM_001353949.2, NM_001353950.2 and 2 more transcripts); c.3554G>A, p.Cys1185Tyr (NM_001202435.3, NM_001353948.2); short protein forms C1157Y, C1185Y, C1156Y, C1174Y, C371Y, C1173Y.
Identifiers: ClinVar variation 2756394 (VCV002756394.3), dbSNP rs1167102061, ClinGen allele CA349056419.
Genomic context (GRCh38, chr2:166,013,895, plus strand): 5'-CACCATTGTTTTCCTCTGCCTTCTTCCACATTGATTTGACAACACTTGAATCTTTGTACA[C>T]AGCCTGCAGAAAGTGTTGAAATAAAAGTAGATAAAGTGTCTCTGCTTCCATAATATCCTT-3'
Protein context (NP_001159435.1, residues 1175-1195): LEPEACFTEG[Cys1185Tyr]VQRFKCCQIN

ClinVar aggregate classification (germline): Uncertain significance (1 of 4 stars; one submission).

Conditions:
Early-infantile DEE. Also called: Ohtahara syndrome; Early infantile epileptic encephalopathy; Early infantile epileptic encephalopathy with suppression bursts. Identifiers: Orphanet 1934, MedGen C0393706, MONDO:0800491.

Allele frequency attached by ClinVar (database versions not stated): TOPMed below 0.00001.

Submission:

Labcorp Genetics (formerly Invitae), Labcorp
Classification: Uncertain significance for Early-infantile DEE. Last evaluated: 2023-06-02. Review status: criteria provided, single submitter. Criteria: Invitae Variant Classification Sherloc (09022015). Collection method: clinical testing. Allele origin: germline.
Comment: In summary, the available evidence is currently insufficient to determine the role of this variant in disease. Therefore, it has been classified as a Variant of Uncertain Significance. Advanced modeling of protein sequence and biophysical properties (such as structural, functional, and spatial information, amino acid conservation, physicochemical variation, residue mobility, and thermodynamic stability) performed at Invitae indicates that this missense variant is expected to disrupt SCN1A protein function. This variant has not been reported in the literature in individuals affected with SCN1A-related conditions. This variant is not present in population databases (gnomAD no frequency). This sequence change replaces cysteine, which is neutral and slightly polar, with tyrosine, which is neutral and polar, at codon 1185 of the SCN1A protein (p.Cys1185Tyr).